The following is an entry in ClinVar:

ClinVar aggregate classification (germline): Benign/Likely benign. Review status: criteria provided, multiple submitters, no conflicts (2 of 4 stars). 3 submissions from 3 submitters: Benign (1); Likely benign (2). Last evaluated 2026-03-24.

Conditions:
Platelet-type bleeding disorder 9 (BDPLT9). Also called: GLYCOPROTEIN Ia DEFICIENCY; GP Ia DEFICIENCY; COLLAGEN PLATELET RECEPTOR DEFICIENCY. Identifiers: Orphanet 73271, Orphanet 98886, MedGen C3280114, MONDO:0013622, OMIM 614200.
ITGA2-related disorder. Also called: ITGA2-related condition.

Allele frequency attached by ClinVar (database versions not stated): gnomAD 0.00006 and 0.00009; gnomAD exomes 0.00009 and 0.00016; TOPMed 0.00012; ExAC 0.00017.
gnomAD v4.1: 148 of 1,613,148 alleles (0.0092%); highest among the groups gnomAD compares: East Asian, 0.31%; 1 homozygote.

Submissions (3):

PreventionGenetics, part of Exact Sciences
Classification: Likely benign for ITGA2-related condition. Last evaluated: 2026-03-24. Review status: criteria provided, single submitter. Criteria: ACMG Guidelines, 2015. Collection method: clinical testing. Allele origin: germline.
Comment: This variant is classified as likely benign based on ACMG/AMP sequence variant interpretation guidelines (Richards et al. 2015 PMID: 25741868, with internal and published modifications).

Blueprint Genetics
Classification: Likely benign. Last evaluated: 2024-08-08. Review status: criteria provided, single submitter. Criteria: ACMG Guidelines, 2015. Collection method: clinical testing. Allele origin: germline.

Illumina Laboratory Services, Illumina
Classification: Benign for Platelet-type bleeding disorder 9. Last evaluated: 2018-01-13. Review status: criteria provided, single submitter. Criteria: ICSL Variant Classification Criteria 13 December 2019. Collection method: clinical testing. Allele origin: germline.
Comment: This variant was observed in the ICSL laboratory as part of a predisposition screen in an ostensibly healthy population. It had not been previously curated by ICSL or reported in the Human Gene Mutation Database (HGMD: prior to June 1st, 2018), and was therefore a candidate for classification through an automated scoring system. Utilizing variant allele frequency, disease prevalence and penetrance estimates, and inheritance mode, an automated score was calculated to assess if this variant is too frequent to cause the disease. Based on the score and internal cut-off values, a variant classified as benign is not then subjected to further curation. The score for this variant resulted in a classification of benign for this disease.

NM_002203.4(ITGA2):c.3324T>C (p.Tyr1108=)

Gene: ITGA2 (integrin subunit alpha 2; plus strand). Cytogenetic location: 5q11.2.
Variant type: single nucleotide variant.
Coding change: c.3324T>C on transcript NM_002203.4 (MANE Select); coding-DNA position 3324, T replaced by C.
Protein change: p.Tyr1108=; no amino-acid change (tyrosine 1108 retained).
Molecular consequence: synonymous variant. On other transcripts: non-coding transcript variant (5).
Genome position (GRCh38, 1-based): chr5:53,087,017, T>C. VCF-style: chr5-53087017-T-C. GRCh37 (hg19) VCF-style: chr5-52382847-T-C.
Identifiers: ClinVar variation 353780 (VCV000353780.7), dbSNP rs772014693, ClinGen allele CA3263485.